The following is an entry in ClinVar:

ClinVar aggregate classification (germline): Uncertain significance (1 of 4 stars; one submission).

Submission:

Labcorp Genetics (formerly Invitae), Labcorp
Classification: Uncertain significance. Last evaluated: 2023-08-22. Review status: criteria provided, single submitter. Criteria: Invitae Variant Classification Sherloc (09022015). Collection method: clinical testing. Allele origin: germline.
Comment: In summary, the available evidence is currently insufficient to determine the role of this variant in disease. Therefore, it has been classified as a Variant of Uncertain Significance. This variant disrupts the p.Pro820 amino acid residue in EPHB4. Other variant(s) that disrupt this residue have been observed in individuals with EPHB4-related conditions (PMID: 28687708), which suggests that this may be a clinically significant amino acid residue. Advanced modeling of protein sequence and biophysical properties (such as structural, functional, and spatial information, amino acid conservation, physicochemical variation, residue mobility, and thermodynamic stability) performed at Invitae indicates that this missense variant is expected to disrupt EPHB4 protein function. This variant has not been reported in the literature in individuals affected with EPHB4-related conditions. This variant is not present in population databases (gnomAD no frequency). This sequence change replaces proline, which is neutral and non-polar, with serine, which is neutral and polar, at codon 820 of the EPHB4 protein (p.Pro820Ser).

Literature cited by the submitters: PubMed 28687708.

NM_004444.5(EPHB4):c.2458C>T (p.Pro820Ser)

Genes: EPHB4 (EPH receptor B4; minus strand), LOC126860124 (CDK7 strongly-dependent group 2 enhancer GRCh37_chr7:100403701-100404900; plus strand). Cytogenetic location: 7q22.1.
Variant type: single nucleotide variant.
Coding change: c.2458C>T on transcript NM_004444.5 (MANE Select); coding-DNA position 2458, C replaced by T.
Protein change: p.Pro820Ser; replaces proline 820 with serine.
Molecular consequence: missense variant.
Genome position (GRCh38, 1-based): chr7:100,806,446, G>A on the plus strand (C>T on the coding strand, the complement: EPHB4 is on the minus strand). VCF-style: chr7-100806446-G-A. GRCh37 (hg19) VCF-style: chr7-100404068-G-A.
Other names: short protein forms P820S.
Identifiers: ClinVar variation 2693799 (VCV002693799.3), dbSNP rs1584653653, ClinGen allele CA368567464.